The following is an entry in ClinVar:

ClinVar aggregate classification (germline): Uncertain significance (1 of 4 stars; one submission).

gnomAD v4.1: 131 of 1,614,150 alleles (0.0081%); highest among the groups gnomAD compares: South Asian, 0.14%; 2 homozygotes.

Submission:

GeneDx
Classification: Uncertain significance. Last evaluated: 2023-06-30. Review status: criteria provided, single submitter. Criteria: GeneDx Variant Classification Process June 2021. Collection method: clinical testing. Allele origin: germline. Affected: yes.
Comment: In silico analysis supports that this missense variant has a deleterious effect on protein structure/function; Has not been previously published as pathogenic or benign to our knowledge

NM_005276.4(GPD1):c.143A>T (p.Lys48Ile)

Gene: GPD1 (glycerol-3-phosphate dehydrogenase 1; plus strand). Cytogenetic location: 12q13.12.
Variant type: single nucleotide variant.
Coding change: c.143A>T on transcript NM_005276.4 (MANE Select); coding-DNA position 143, A replaced by T.
Protein change: p.Lys48Ile; replaces lysine 48 with isoleucine.
Molecular consequence: missense variant.
Genome position (GRCh38, 1-based): chr12:50,104,675, A>T. VCF-style: chr12-50104675-A-T. GRCh37 (hg19) VCF-style: chr12-50498458-A-T.
Other names: c.143A>T, p.Lys48Ile (NM_001257199.2); short protein forms K48I.
Identifiers: ClinVar variation 3360469 (VCV003360469.1).